The following is an entry in ClinVar:

NM_000465.4(BARD1):c.859G>A (p.Glu287Lys)

Gene: BARD1 (BRCA1 associated RING domain 1; minus strand). Cytogenetic location: 2q35.
Variant type: single nucleotide variant.
Coding change: c.859G>A on transcript NM_000465.4 (MANE Select); coding-DNA position 859, G replaced by A.
Protein change: p.Glu287Lys; replaces glutamic acid 287 with lysine.
Molecular consequence: missense variant. On other transcripts: non-coding transcript variant (2), intron variant (3).
Genome position (GRCh38, 1-based): chr2:214,781,015, C>T on the plus strand (G>A on the coding strand, the complement: BARD1 is on the minus strand). VCF-style: chr2-214781015-C-T. GRCh37 (hg19) VCF-style: chr2-215645739-C-T.
Other names: c.859G>A (NM_000465.2); c.802G>A, p.Glu268Lys (NM_001282543.2); c.158+28397G>A (NM_001282548.2); c.215+16046G>A (NM_001282545.2); c.364+11282G>A (NM_001282549.2); short protein forms E268K, E287K.
Identifiers: ClinVar variation 946713 (VCV000946713.11), dbSNP rs1694986734, ClinGen allele CA350455211.

ClinVar aggregate classification (germline): Uncertain significance. Review status: criteria provided, multiple submitters, no conflicts (2 of 4 stars). 2 submissions from 2 submitters: Uncertain significance (2). Last evaluated 2023-05-05.

Conditions:
Familial cancer of breast. Also called: Hereditary breast cancer; hereditary breast carcinoma; BREAST CANCER, FAMILIAL. Identifiers: Orphanet 227535, MedGen C0346153, MONDO:0016419, OMIM 114480. Disease mechanism: loss of function.

Submissions (2):

GeneDx
Classification: Uncertain significance. Last evaluated: 2023-05-05. Review status: criteria provided, single submitter. Criteria: GeneDx Variant Classification Process June 2021. Collection method: clinical testing. Allele origin: germline. Affected: yes.
Comment: Not observed at significant frequency in large population cohorts (gnomAD); In silico analysis supports that this missense variant does not alter protein structure/function; Has not been previously published as pathogenic or benign to our knowledge

Labcorp Genetics (formerly Invitae), Labcorp
Classification: Uncertain significance for Familial cancer of breast. Last evaluated: 2019-05-05. Review status: criteria provided, single submitter. Criteria: Invitae Variant Classification Sherloc (09022015). Collection method: clinical testing. Allele origin: germline.
Comment: In summary, the available evidence is currently insufficient to determine the role of this variant in disease. Therefore, it has been classified as a Variant of Uncertain Significance. Algorithms developed to predict the effect of missense changes on protein structure and function (SIFT, PolyPhen-2, Align-GVGD) all suggest that this variant is likely to be tolerated, but these predictions have not been confirmed by published functional studies and their clinical significance is uncertain. This sequence change replaces glutamic acid with lysine at codon 287 of the BARD1 protein (p.Glu287Lys). The glutamic acid residue is moderately conserved and there is a small physicochemical difference between glutamic acid and lysine. This variant is not present in population databases (ExAC no frequency). This variant has not been reported in the literature in individuals with BARD1-related conditions.